The following is an entry in ClinVar:

NM_017837.4(PIGV):c.*167G>A

Gene: PIGV (phosphatidylinositol glycan anchor biosynthesis class V; plus strand). Cytogenetic location: 1p36.11.
Variant type: single nucleotide variant.
Coding change: c.*167G>A on transcript NM_017837.4 (MANE Select); 167 bases downstream of the stop codon, G replaced by A.
Molecular consequence: 3 prime UTR variant. On other transcripts: non-coding transcript variant (2).
Genome position (GRCh38, 1-based): chr1:26,798,011, G>A. VCF-style: chr1-26798011-G-A. GRCh37 (hg19) VCF-style: chr1-27124502-G-A.
Other names: c.*167G>A (NM_001202554.2, NM_001374478.1, NM_001374480.1 and 6 more transcripts).
Identifiers: ClinVar variation 876636 (VCV000876636.4), dbSNP rs142176099, ClinGen allele CA19837305.

ClinVar aggregate classification (germline): Benign (1 of 4 stars; one submission).

Conditions:
Hyperphosphatasia with impaired intellectual development syndrome 1. Also called: Hyperphosphatasia with intellectual disability syndrome 1; MABRY SYNDROME; GLYCOSYLPHOSPHATIDYLINOSITOL BIOSYNTHESIS DEFECT 2. Identifiers: Orphanet 247262, MedGen C4551502, MONDO:0009398, OMIM 239300.

Allele frequency attached by ClinVar (database versions not stated): 1000 Genomes Project 30x 0.00531; gnomAD exomes 0.00025; gnomAD 0.00255 and 0.00264; TOPMed 0.00288; 1000 Genomes Project 0.00479.
gnomAD v4.1: 532 of 697,920 alleles (0.076%); highest among the groups gnomAD compares: African/African-American, 0.86%; 1 homozygote.

Submission:

Illumina Laboratory Services, Illumina
Classification: Benign for Hyperphosphatasia with impaired intellectual development syndrome 1. Last evaluated: 2018-01-13. Review status: criteria provided, single submitter. Criteria: ICSL Variant Classification Criteria 13 December 2019. Collection method: clinical testing. Allele origin: germline.
Comment: This variant was observed in the ICSL laboratory as part of a predisposition screen in an ostensibly healthy population. It had not been previously curated by ICSL or reported in the Human Gene Mutation Database (HGMD: prior to June 1st, 2018), and was therefore a candidate for classification through an automated scoring system. Utilizing variant allele frequency, disease prevalence and penetrance estimates, and inheritance mode, an automated score was calculated to assess if this variant is too frequent to cause the disease. Based on the score and internal cut-off values, a variant classified as benign is not then subjected to further curation. The score for this variant resulted in a classification of benign for this disease.